The following is an entry in ClinVar:

ClinVar aggregate classification (germline): Uncertain significance. Review status: criteria provided, multiple submitters, no conflicts (2 of 4 stars). 2 submissions from 2 submitters: Uncertain significance (2). Last evaluated 2022-10-05.

Conditions:
Hereditary cancer-predisposing syndrome. Also called: Tumor predisposition; Neoplastic Syndromes, Hereditary; Hereditary neoplastic syndrome; Hereditary Cancer Syndrome. Identifiers: Orphanet 140162, MedGen C0027672, MeSH D009386, MONDO:0015356.
Familial cancer of breast. Also called: Hereditary breast cancer; hereditary breast carcinoma; BREAST CANCER, FAMILIAL. Identifiers: Orphanet 227535, MedGen C0346153, MONDO:0016419, OMIM 114480. Disease mechanism: loss of function.

gnomAD v4.1: 1 of 1,614,164 alleles (0.000062%); no homozygotes.

Submissions (2):

Labcorp Genetics (formerly Invitae), Labcorp
Classification: Uncertain significance for Familial cancer of breast. Last evaluated: 2022-10-05. Review status: criteria provided, single submitter. Criteria: Invitae Variant Classification Sherloc (09022015). Collection method: clinical testing. Allele origin: germline.
Comment: ClinVar contains an entry for this variant (Variation ID: 1513045). In summary, the available evidence is currently insufficient to determine the role of this variant in disease. Therefore, it has been classified as a Variant of Uncertain Significance. Advanced modeling of protein sequence and biophysical properties (such as structural, functional, and spatial information, amino acid conservation, physicochemical variation, residue mobility, and thermodynamic stability) performed at Invitae indicates that this missense variant is not expected to disrupt PALB2 protein function. This variant has not been reported in the literature in individuals affected with PALB2-related conditions. This variant is not present in population databases (gnomAD no frequency). This sequence change replaces proline, which is neutral and non-polar, with leucine, which is neutral and non-polar, at codon 508 of the PALB2 protein (p.Pro508Leu).

Ambry Genetics
Classification: Uncertain significance for Hereditary cancer-predisposing syndrome. Last evaluated: 2020-11-30. Review status: criteria provided, single submitter. Criteria: Ambry Variant Classification Scheme 2023. Collection method: clinical testing. Allele origin: germline.
Comment: The p.P508L variant (also known as c.1523C>T), located in coding exon 4 of the PALB2 gene, results from a C to T substitution at nucleotide position 1523. The proline at codon 508 is replaced by leucine, an amino acid with similar properties. This amino acid position is poorly conserved in available vertebrate species. In addition, this alteration is predicted to be tolerated by in silico analysis. Since supporting evidence is limited at this time, the clinical significance of this alteration remains unclear.

NM_024675.4(PALB2):c.1523C>T (p.Pro508Leu)

Gene: PALB2 (partner and localizer of BRCA2; minus strand). Cytogenetic location: 16p12.2.
Variant type: single nucleotide variant.
Coding change: c.1523C>T on transcript NM_024675.4 (MANE Select); coding-DNA position 1523, C replaced by T.
Protein change: p.Pro508Leu; replaces proline 508 with leucine.
Molecular consequence: missense variant.
Genome position (GRCh38, 1-based): chr16:23,635,023, G>A on the plus strand (C>T on the coding strand, the complement: PALB2 is on the minus strand). VCF-style: chr16-23635023-G-A. GRCh37 (hg19) VCF-style: chr16-23646344-G-A.
Other names: short protein forms P508L.
Identifiers: ClinVar variation 1513045 (VCV001513045.11), dbSNP rs2142413565, ClinGen allele CA395130962.
Genomic context (GRCh38, chr16:23,635,023, plus strand): 5'-TCACAATGATCTGATGCTGGGGTGCAGGCTGATTTTCTTTTTCCTGTGTATCTTCTACCA[G>A]GTGCTTGGGCAACTGCCTTCCTAGACAAGTCATTATCTTCAGTGGGCCCAGCGGGAGAGC-3'
Protein context (NP_078951.2, residues 498-518): DLSRKAVAQA[Pro508Leu]GRRYTGKRKS